The following is an entry in ClinVar:

NM_004252.5(NHERF1):c.888+2T>C

Gene: NHERF1 (NHERF family PDZ scaffold protein 1; plus strand). Cytogenetic location: 17q25.1.
Variant type: single nucleotide variant.
Coding change: c.888+2T>C on transcript NM_004252.5 (MANE Select); the canonical splice donor site of the intron after coding-DNA position 888, T replaced by C.
Molecular consequence: splice donor variant.
Genome position (GRCh38, 1-based): chr17:74,768,238, T>C. VCF-style: chr17-74768238-T-C. GRCh37 (hg19) VCF-style: chr17-72764377-T-C.
Identifiers: ClinVar variation 835074 (VCV000835074.37), dbSNP rs138547261, ClinGen allele CA8750799.
Genomic context (GRCh38, chr17:74,768,238, plus strand): 5'-CCTTGGAGAGCCCCAGGCCAGCCCTGGTGAGATCCGCCTCCAGTGACACCAGCGAGGAGG[T>C]AGGCCAGCCATGCGGGGGGTGGCAACTGGGTTACAGGAAGCCGATTCCCAGGCCCCACTT-3'

ClinVar aggregate classification (germline): Conflicting classifications of pathogenicity. Review status: criteria provided, conflicting classifications (1 of 4 stars). 4 submissions from 4 submitters: Uncertain significance (3); Likely benign (1). Last evaluated 2026-02-04.

Conditions:
Dominant hypophosphatemia with nephrolithiasis or osteoporosis. Identifiers: Orphanet 244305, MedGen C5191009, MONDO:0016579.
NHERF1-related disorder. Also called: NHERF1-related condition.

Allele frequency attached by ClinVar (database versions not stated): gnomAD exomes 0.00023 and 0.00024; ExAC 0.00029; ESP Exome Variant Server 0.00046; TOPMed 0.00017; gnomAD 0.00021 and 0.00022.
gnomAD v4.1: 356 of 1,610,594 alleles (0.022%); highest among the groups gnomAD compares: Non-Finnish European, 0.028%; no homozygotes.

Submissions (7):

PreventionGenetics, part of Exact Sciences
Classification: Uncertain significance for NHERF1-related condition. Last evaluated: 2026-02-04. Review status: criteria provided, single submitter. Criteria: ACMG Guidelines, 2015. Collection method: clinical testing. Allele origin: germline.
Comment: The NHERF1 c.888+2T>C variant is predicted to disrupt the GT donor site and interfere with normal splicing. This gene was previously known as SLC9A3R1. This variant has been reported in a patient with hypophosphatemic nephrolithiasis/osteoporosis-2 (Halbritter et al. 2015. PubMed ID: 25296721). However, this variant is reported in 0.043% of alleles in individuals of European (Non-Finnish) descent in gnomAD, which may be too frequent to be a primary cause of disease. At this time, the clinical significance of this variant is uncertain due to the absence of conclusive functional and genetic evidence.

Department of Pathology and Laboratory Medicine, Sinai Health System
Classification: Uncertain significance for dominant hypophosphatemia with nephrolithiasis or osteoporosis. Last evaluated: 2023-03-12. Review status: criteria provided, single submitter. Criteria: ACMG Guidelines, 2015. Collection method: research. Allele origin: germline.

CeGaT Center for Human Genetics Tuebingen
Classification: Likely benign. Last evaluated: 2022-07-01. Review status: criteria provided, single submitter. Criteria: CeGaT Center For Human Genetics Tuebingen Variant Classification Criteria Version 2. Collection method: clinical testing. Allele origin: germline. Affected: yes. Observed: 1 variant allele.
Comment: NHERF1: BS1

Labcorp Genetics (formerly Invitae), Labcorp
Classification: Uncertain significance. Last evaluated: 2021-09-01. Review status: criteria provided, single submitter. Criteria: Invitae Variant Classification Sherloc (09022015). Collection method: clinical testing. Allele origin: germline.

Dr. Peter K. Rogan Lab, Western University
No classification provided (evidence only). Condition: Malignant tumor of urinary bladder. Review status: no classification provided. Collection method: in vitro. Allele origin: not applicable. Functional consequence: skipped exon, retained intron. Not counted in ClinVar's aggregate classification.

Dr. Peter K. Rogan Lab, Western University
No classification provided (evidence only). Condition: Clear cell carcinoma of kidney. Review status: no classification provided. Collection method: in vitro. Allele origin: not applicable. Functional consequence: skipped exon, retained intron. Not counted in ClinVar's aggregate classification.

Dr. Peter K. Rogan Lab, Western University
No classification provided (evidence only). Condition: Familial cancer of breast. Review status: no classification provided. Collection method: in vitro. Allele origin: not applicable. Functional consequence: skipped exon, retained intron. Not counted in ClinVar's aggregate classification.